The following is an entry in ClinVar:

ClinVar aggregate classification (germline): Conflicting classifications of pathogenicity. Review status: criteria provided, conflicting classifications (1 of 4 stars). 5 submissions from 5 submitters: Uncertain significance (4); Likely benign (1). Last evaluated 2025-04-14.

Conditions:
Developmental and epileptic encephalopathy, 18 (DEE18). Also called: Early infantile epileptic encephalopathy 18. Identifiers: Orphanet 369894, MedGen C3809624, MONDO:0014201, OMIM 615476.
Inborn genetic diseases. Identifiers: MedGen C0950123, MeSH D030342.

Allele frequency attached by ClinVar (database versions not stated): gnomAD below 0.00001; TOPMed below 0.00001; gnomAD exomes 0.00010 and 0.00023; 1000 Genomes Project 30x 0.00047; 1000 Genomes Project 0.00060; ExAC 0.00075.
gnomAD v4.1: 149 of 1,553,352 alleles (0.0096%); highest among the groups gnomAD compares: South Asian, 0.16%; 1 homozygote.

Submissions (5):

GeneDx
Classification: Uncertain significance. Last evaluated: 2025-04-14. Review status: criteria provided, single submitter. Criteria: GeneDx Variant Classification Process June 2021. Collection method: clinical testing. Allele origin: germline. Affected: yes.
Comment: In silico analysis supports that this missense variant has a deleterious effect on protein structure/function; Has not been previously published as a pathogenic or benign germline variant to our knowledge; This variant is associated with the following publications: (PMID: 32055024)

Ambry Genetics
Classification: Likely benign for Inborn genetic diseases. Last evaluated: 2024-04-08. Review status: criteria provided, single submitter. Criteria: Ambry Variant Classification Scheme 2023. Collection method: clinical testing. Allele origin: germline.

Genome-Nilou Lab
Classification: Uncertain significance for Developmental and epileptic encephalopathy, 18. Last evaluated: 2023-04-11. Review status: criteria provided, single submitter. Criteria: ACMG Guidelines, 2015. Collection method: clinical testing. Allele origin: germline. Affected: no.

Labcorp Genetics (formerly Invitae), Labcorp
Classification: Uncertain significance. Last evaluated: 2022-08-09. Review status: criteria provided, single submitter. Criteria: Invitae Variant Classification Sherloc (09022015). Collection method: clinical testing. Allele origin: germline.
Comment: In summary, the available evidence is currently insufficient to determine the role of this variant in disease. Therefore, it has been classified as a Variant of Uncertain Significance. Algorithms developed to predict the effect of missense changes on protein structure and function (SIFT, PolyPhen-2, Align-GVGD) all suggest that this variant is likely to be disruptive. ClinVar contains an entry for this variant (Variation ID: 846979). This variant has not been reported in the literature in individuals affected with SZT2-related conditions. This variant is present in population databases (rs538720577, gnomAD 0.2%). This sequence change replaces arginine, which is basic and polar, with tryptophan, which is neutral and slightly polar, at codon 3210 of the SZT2 protein (p.Arg3210Trp).

New York Genome Center
Classification: Uncertain significance for Developmental and epileptic encephalopathy, 18. Last evaluated: 2020-12-29. Review status: criteria provided, single submitter. Criteria: NYGC Assertion Criteria 2020. Collection method: clinical testing. Allele origin: germline. Observed: 1 heterozygote. Study: CSER-NYCKidSeq.

NM_001365999.1(SZT2):c.9799C>T (p.Arg3267Trp)

Genes: SZT2 (SZT2 subunit of KICSTOR complex; plus strand), SZT2-AS1 (SZT2 antisense RNA 1; minus strand). Cytogenetic location: 1p34.2.
Variant type: single nucleotide variant.
Coding change: c.9799C>T on transcript NM_001365999.1 (MANE Select); coding-DNA position 9799, C replaced by T.
Protein change: p.Arg3267Trp; replaces arginine 3267 with tryptophan.
Molecular consequence: missense variant. On other transcripts: non-coding transcript variant (1).
Genome position (GRCh38, 1-based): chr1:43,448,314, C>T. VCF-style: chr1-43448314-C-T. GRCh37 (hg19) VCF-style: chr1-43913985-C-T.
Other names: c.9628C>T, p.Arg3210Trp (NM_015284.4); short protein forms R3210W, R3267W.
Identifiers: ClinVar variation 846979 (VCV000846979.17), dbSNP rs538720577, ClinGen allele CA811015.